The following is an entry in ClinVar:

NM_138773.4(SLC25A46):c.601G>C (p.Glu201Gln)

Gene: SLC25A46 (solute carrier family 25 member 46; plus strand). Cytogenetic location: 5q22.1.
Variant type: single nucleotide variant.
Coding change: c.601G>C on transcript NM_138773.4 (MANE Select); coding-DNA position 601, G replaced by C.
Protein change: p.Glu201Gln; replaces glutamic acid 201 with glutamine.
Molecular consequence: missense variant. On other transcripts: non-coding transcript variant (1).
Genome position (GRCh38, 1-based): chr5:110,755,502, G>C. VCF-style: chr5-110755502-G-C. GRCh37 (hg19) VCF-style: chr5-110091202-G-C.
Other names: c.601G>C, p.Glu201Gln (NM_001303249.3); c.328G>C, p.Glu110Gln (NM_001303250.3); short protein forms E110Q, E201Q.
Identifiers: ClinVar variation 1045252 (VCV001045252.8), dbSNP rs1390370205, ClinGen allele CA360695621.

ClinVar aggregate classification (germline): Uncertain significance (1 of 4 stars; one submission).

Conditions:
Neuropathy, hereditary motor and sensory, type 6B (HMSN6B). Also called: NEUROPATHY, HEREDITARY MOTOR AND SENSORY, TYPE VIB, WITH OPTIC ATROPHY; Neuropathy, hereditary motor and sensory, type VIB; HMSN VIB; CHARCOT-MARIE-TOOTH DISEASE, TYPE 6B. Identifiers: MedGen C4225302, MONDO:0014671, OMIM 616505.

Allele frequency attached by ClinVar (database versions not stated): gnomAD exomes below 0.00001.
gnomAD v4.1: 3 of 1,572,256 alleles (0.00019%); highest among the groups gnomAD compares: Non-Finnish European, 0.00026%; no homozygotes.

Submission:

Labcorp Genetics (formerly Invitae), Labcorp
Classification: Uncertain significance for Neuropathy, hereditary motor and sensory, type 6B. Last evaluated: 2024-02-24. Review status: criteria provided, single submitter. Criteria: Invitae Variant Classification Sherloc (09022015). Collection method: clinical testing. Allele origin: germline.
Comment: This sequence change replaces glutamic acid, which is acidic and polar, with glutamine, which is neutral and polar, at codon 201 of the SLC25A46 protein (p.Glu201Gln). This variant is present in population databases (no rsID available, gnomAD 0.001%). This variant has not been reported in the literature in individuals affected with SLC25A46-related conditions. ClinVar contains an entry for this variant (Variation ID: 1045252). Advanced modeling of protein sequence and biophysical properties (such as structural, functional, and spatial information, amino acid conservation, physicochemical variation, residue mobility, and thermodynamic stability) performed at Invitae indicates that this missense variant is not expected to disrupt SLC25A46 protein function with a negative predictive value of 80%. In summary, the available evidence is currently insufficient to determine the role of this variant in disease. Therefore, it has been classified as a Variant of Uncertain Significance.